The following is an entry in ClinVar:

ClinVar aggregate classification (germline): Uncertain significance. Review status: criteria provided, multiple submitters, no conflicts (2 of 4 stars). 2 submissions from 2 submitters: Uncertain significance (2). Last evaluated 2024-07-25.

Conditions:
RECON progeroid syndrome (RECON). Identifiers: MedGen C5830504, MONDO:0957266, OMIM 620370.

Submissions (2):

Ambry Genetics
Classification: Uncertain significance. Last evaluated: 2024-07-25. Review status: criteria provided, single submitter. Criteria: Ambry Variant Classification Scheme 2023. Collection method: clinical testing. Allele origin: germline.
Comment: The p.Q552H variant (also known as c.1656G>T), located in coding exon 12 of the RECQL gene, results from a G to T substitution at nucleotide position 1656. The glutamine at codon 552 is replaced by histidine, an amino acid with highly similar properties. This amino acid position is well conserved in available vertebrate species. In addition, this alteration is predicted to be tolerated by in silico analysis. Since supporting evidence is limited at this time, the clinical significance of this alteration remains unclear.

Fulgent Genetics
Classification: Uncertain significance for RECON progeroid syndrome. Last evaluated: 2024-05-14. Review status: criteria provided, single submitter. Criteria: ACMG Guidelines, 2015. Collection method: clinical testing. Allele origin: germline.

NM_002907.4(RECQL):c.1656G>T (p.Gln552His)

Gene: RECQL (RecQ like helicase; minus strand). Cytogenetic location: 12p12.1.
Variant type: single nucleotide variant.
Coding change: c.1656G>T on transcript NM_002907.4 (MANE Select); coding-DNA position 1656, G replaced by T.
Protein change: p.Gln552His; replaces glutamine 552 with histidine.
Molecular consequence: missense variant.
Genome position (GRCh38, 1-based): chr12:21,471,439, C>A on the plus strand (G>T on the coding strand, the complement: RECQL is on the minus strand). VCF-style: chr12-21471439-C-A. GRCh37 (hg19) VCF-style: chr12-21624373-C-A.
Other names: c.1656G>T, p.Gln552His (NM_032941.3); short protein forms Q552H.
Identifiers: ClinVar variation 1777367 (VCV001777367.4), dbSNP rs762276247, ClinGen allele CA384114986.